The following is an entry in ClinVar:

ClinVar aggregate classification (germline): Uncertain significance. Review status: criteria provided, multiple submitters, no conflicts (2 of 4 stars). 4 submissions from 4 submitters: Uncertain significance (4). Last evaluated 2026-07-01.

Conditions:
EAST syndrome (SESAMES). Also called: SEIZURES, SENSORINEURAL DEAFNESS, ATAXIA, IMPAIRED INTELLECTUAL DEVELOPMENT, AND ELECTROLYTE IMBALANCE. Identifiers: Orphanet 199343, MedGen C2748572, MONDO:0013005, OMIM 612780.
Autosomal recessive nonsyndromic hearing loss 4 (DFNB4). Also called: FOXI1-Related Pendred Syndrome; KCNJ10-Related Pendred Syndrome; Enlarged vestibular aqueduct, digenic; NEUROSENSORY NONSYNDROMIC RECESSIVE DEAFNESS 4; Deafness, autosomal recessive 4, with enlarged vestibular aqueduct; Deafness, autosomal recessive 4. Identifiers: Orphanet 90636, MedGen C3538946, MONDO:0010933, OMIM 600791.
Pendred syndrome (PDS). Also called: THYROID DYSHORMONOGENESIS 2B; THYROID HORMONOGENESIS, GENETIC DEFECT IN, 2B; Pendred Syndrome (PDS); DEAFNESS WITH GOITER; GOITER-DEAFNESS SYNDROME; HYPOTHYROIDISM, CONGENITAL, DUE TO DYSHORMONOGENESIS, 2B. Identifiers: Orphanet 705, MedGen C0271829, MONDO:0010134, OMIM 274600.

Allele frequency attached by ClinVar (database versions not stated): gnomAD exomes below 0.00001 and 0.00003; TOPMed 0.00002; gnomAD 0.00004.
gnomAD v4.1: 48 of 1,614,036 alleles (0.003%); highest among the groups gnomAD compares: Admixed American, 0.005%; no homozygotes.

Submissions (4):

CeGaT Center for Human Genetics Tuebingen
Classification: Uncertain significance. Last evaluated: 2026-07-01. Review status: criteria provided, single submitter. Criteria: CeGaT Center For Human Genetics Tuebingen Variant Classification Criteria Version 2. Collection method: clinical testing. Allele origin: germline. Affected: yes. Observed: 1 variant allele.
Comment: KCNJ10: PM2

GeneDx
Classification: Uncertain significance. Last evaluated: 2025-06-25. Review status: criteria provided, single submitter. Criteria: GeneDx Variant Classification Process June 2021. Collection method: clinical testing. Allele origin: germline. Affected: yes.
Comment: Not observed at significant frequency in large population cohorts (gnomAD); In silico analysis suggests that this missense variant does not alter protein structure/function; Has not been previously published as pathogenic or benign to our knowledge

Labcorp Genetics (formerly Invitae), Labcorp
Classification: Uncertain significance for EAST syndrome. Last evaluated: 2025-05-13. Review status: criteria provided, single submitter. Criteria: Invitae Variant Classification Sherloc (09022015). Collection method: clinical testing. Allele origin: germline.
Comment: This sequence change replaces arginine, which is basic and polar, with glutamine, which is neutral and polar, at codon 28 of the KCNJ10 protein (p.Arg28Gln). This variant is present in population databases (rs766560083, gnomAD 0.003%). This variant has not been reported in the literature in individuals affected with KCNJ10-related conditions. ClinVar contains an entry for this variant (Variation ID: 1038534). Invitae Evidence Modeling of protein sequence and biophysical properties (such as structural, functional, and spatial information, amino acid conservation, physicochemical variation, residue mobility, and thermodynamic stability) indicates that this missense variant is not expected to disrupt KCNJ10 protein function with a negative predictive value of 95%. In summary, the available evidence is currently insufficient to determine the role of this variant in disease. Therefore, it has been classified as a Variant of Uncertain Significance.

Fulgent Genetics
Classification: Uncertain significance for Pendred syndrome; Autosomal recessive nonsyndromic hearing loss 4; EAST syndrome. Last evaluated: 2022-02-09. Review status: criteria provided, single submitter. Criteria: ACMG Guidelines, 2015. Collection method: clinical testing. Allele origin: unknown.

NM_002241.5(KCNJ10):c.83G>A (p.Arg28Gln)

Gene: KCNJ10 (potassium inwardly rectifying channel subfamily J member 10; minus strand). Cytogenetic location: 1q23.2.
Variant type: single nucleotide variant.
Coding change: c.83G>A on transcript NM_002241.5 (MANE Select); coding-DNA position 83, G replaced by A.
Protein change: p.Arg28Gln; replaces arginine 28 with glutamine.
Molecular consequence: missense variant.
Genome position (GRCh38, 1-based): chr1:160,042,450, C>T on the plus strand (G>A on the coding strand, the complement: KCNJ10 is on the minus strand). VCF-style: chr1-160042450-C-T. GRCh37 (hg19) VCF-style: chr1-160012240-C-T.
Other names: c.83G>A (NM_002241.4); short protein forms R28Q.
Identifiers: ClinVar variation 1038534 (VCV001038534.8), dbSNP rs766560083, ClinGen allele CA31471500.
Genomic context (GRCh38, chr1:160,042,450, plus strand): 5'-CGCTTGTCGGCAATGTGCTCCATTCTCACGTTGCTGCGACCATCTTTTGTCAGGACTCTC[C>T]GCCGTCGTATCCCTGGGCCCATTAGGGGCCGGCTTTCTGTCTGAGTGGTCTGACTGTAAT-3'
Protein context (NP_002232.2, residues 18-38): RPLMGPGIRR[Arg28Gln]RVLTKDGRSN